The following is an entry in ClinVar:

ClinVar aggregate classification (germline): Uncertain significance (1 of 4 stars; one submission).

Conditions:
Cardiovascular phenotype. Identifiers: MedGen CN230736.

Submission:

Ambry Genetics
Classification: Uncertain significance for Cardiovascular phenotype. Last evaluated: 2022-06-22. Review status: criteria provided, single submitter. Criteria: Ambry Variant Classification Scheme 2023. Collection method: clinical testing. Allele origin: germline.
Comment: The p.S3313N variant (also known as c.9938G>A), located in coding exon 41 of the AKAP9 gene, results from a G to A substitution at nucleotide position 9938. The serine at codon 3313 is replaced by asparagine, an amino acid with highly similar properties. This amino acid position is not well conserved in available vertebrate species. In addition, this alteration is predicted to be tolerated by in silico analysis. The evidence for this gene-disease relationship is limited; therefore, the clinical significance of this alteration is unclear.

NM_005751.5(AKAP9):c.9938G>A (p.Ser3313Asn)

Gene: AKAP9 (A-kinase anchoring protein 9; plus strand). Cytogenetic location: 7q21.2.
Variant type: single nucleotide variant.
Coding change: c.9938G>A on transcript NM_005751.5 (MANE Select); coding-DNA position 9938, G replaced by A.
Protein change: p.Ser3313Asn; replaces serine 3313 with asparagine.
Molecular consequence: missense variant.
Genome position (GRCh38, 1-based): chr7:92,096,897, G>A. VCF-style: chr7-92096897-G-A. GRCh37 (hg19) VCF-style: chr7-91726211-G-A.
Other names: c.4583G>A, p.Ser1528Asn (NM_001379277.1); c.9914G>A, p.Ser3305Asn (NM_147185.3); short protein forms S1528N, S3305N, S3313N.
Identifiers: ClinVar variation 1768655 (VCV001768655.2), dbSNP rs2535299851, ClinGen allele CA368152124.
Genomic context (GRCh38, chr7:92,096,897, plus strand): 5'-GTCGAAACTTAGAGCTTCAGGTACTTCTTGAATCTGAGAAAGTTCGAATTCGGGAAATGA[G>A]TAGTACCCTAGATAGGGAGCGGGAATTGCACGCACAGCTGCAGAGCAGTGATGGTACTGG-3'
Protein context (NP_005742.4, residues 3303-3323): ESEKVRIREM[Ser3313Asn]STLDRERELH